The following is an entry in ClinVar:

ClinVar aggregate classification (germline): Uncertain significance. Review status: criteria provided, single submitter (1 of 4 stars). 2 submissions from 2 submitters: Uncertain significance (1). 1 of the submissions does not count toward it. Last evaluated 2023-08-14.

Conditions:
NRP2-related disorder. Also called: NRP2-related condition.

Allele frequency attached by ClinVar (database versions not stated): TOPMed 0.00002; gnomAD 0.00003; ESP Exome Variant Server 0.00008.
gnomAD v4.1: 16 of 1,613,934 alleles (0.00099%); highest among the groups gnomAD compares: Non-Finnish European, 0.0013%; no homozygotes.

Submissions (2):

Ambry Genetics
Classification: Uncertain significance. Last evaluated: 2023-08-14. Review status: criteria provided, single submitter. Criteria: Ambry Variant Classification Scheme 2023. Collection method: clinical testing. Allele origin: germline.

PreventionGenetics, part of Exact Sciences
Classification: Uncertain significance for NRP2-related condition. Last evaluated: 2024-04-05. Review status: no assertion criteria provided. Collection method: clinical testing. Allele origin: germline. Not counted in ClinVar's aggregate classification.
Comment: The NRP2 c.191C>T variant is predicted to result in the amino acid substitution p.Pro64Leu. To our knowledge, this variant has not been reported in the literature. This variant is reported in 0.0035% of alleles in individuals of European (Non-Finnish) descent in gnomAD. At this time, the clinical significance of this variant is uncertain due to the absence of conclusive functional and genetic evidence.

NM_003872.3(NRP2):c.191C>T (p.Pro64Leu)

Gene: NRP2 (neuropilin 2; plus strand). Cytogenetic location: 2q33.3.
Variant type: single nucleotide variant.
Coding change: c.191C>T on transcript NM_003872.3 (MANE Select); coding-DNA position 191, C replaced by T.
Protein change: p.Pro64Leu; replaces proline 64 with leucine.
Molecular consequence: missense variant.
Genome position (GRCh38, 1-based): chr2:205,697,661, C>T. VCF-style: chr2-205697661-C-T. GRCh37 (hg19) VCF-style: chr2-206562385-C-T.
Other names: c.191C>T, p.Pro64Leu (NM_018534.4, NM_201264.2, NM_201266.2 and 2 more transcripts); short protein forms P64L.
Identifiers: ClinVar variation 2599324 (VCV002599324.3), dbSNP rs375884844, ClinGen allele CA2068710.